The following is an entry in ClinVar:

ClinVar aggregate classification (germline): Uncertain significance (1 of 4 stars; one submission).

gnomAD v4.1: 1 of 1,609,708 alleles (0.000062%); highest among the groups gnomAD compares: Non-Finnish European, 0.000085%; no homozygotes.

Submission:

GeneDx
Classification: Uncertain significance. Last evaluated: 2022-08-29. Review status: criteria provided, single submitter. Criteria: GeneDx Variant Classification Process June 2021. Collection method: clinical testing. Allele origin: germline.
Comment: Not observed at significant frequency in large population cohorts (gnomAD); In silico analysis supports that this missense variant has a deleterious effect on protein structure/function; Has not been previously published as pathogenic or benign to our knowledge; Variants in candidate genes are classified as variants of uncertain significance in accordance with ACMG guidelines (Richards et al., 2015)

NM_014709.4(USP34):c.5635T>G (p.Trp1879Gly)

Gene: USP34 (ubiquitin specific peptidase 34; minus strand). Cytogenetic location: 2p15.
Variant type: single nucleotide variant.
Coding change: c.5635T>G on transcript NM_014709.4 (MANE Select); coding-DNA position 5635, T replaced by G.
Protein change: p.Trp1879Gly; replaces tryptophan 1879 with glycine.
Molecular consequence: missense variant.
Genome position (GRCh38, 1-based): chr2:61,265,540, A>C on the plus strand (T>G on the coding strand, the complement: USP34 is on the minus strand). VCF-style: chr2-61265540-A-C. GRCh37 (hg19) VCF-style: chr2-61492675-A-C.
Other names: short protein forms W1879G.
Identifiers: ClinVar variation 4888169 (VCV004888169.1).